The following is an entry in ClinVar:

ClinVar aggregate classification (germline): Uncertain significance (1 of 4 stars; one submission).

Submission:

Labcorp Genetics (formerly Invitae), Labcorp
Classification: Uncertain significance. Last evaluated: 2025-03-10. Review status: criteria provided, single submitter. Criteria: Invitae Variant Classification Sherloc (09022015). Collection method: clinical testing. Allele origin: germline.
Comment: This variant, c.452_453insGATGGA, results in the insertion of 2 amino acid(s) of the LPL protein (p.Leu150_Asp151insGluMet), but otherwise preserves the integrity of the reading frame. This variant is present in population databases (no rsID available, gnomAD 0.01%). This variant has not been reported in the literature in individuals affected with LPL-related conditions. Experimental studies and prediction algorithms are not available or were not evaluated, and the functional significance of this variant is currently unknown. In summary, the available evidence is currently insufficient to determine the role of this variant in disease. Therefore, it has been classified as a Variant of Uncertain Significance.

NM_000237.3(LPL):c.452_453insGATGGA (p.Leu150_Asp151insGluMet)

Gene: LPL (lipoprotein lipase; plus strand). Cytogenetic location: 8p21.3.
Variant type: Insertion.
Coding change: c.452_453insGATGGA on transcript NM_000237.3 (MANE Select); coding-DNA positions 452 to 453, GATGGA inserted.
Protein change: p.Leu150_Asp151insGluMet.
Genome position: GRCh38 VCF-style: chr8-19953328-C-CTGGAGA. GRCh37 (hg19) VCF-style: chr8-19810839-C-CTGGAGA.
Identifiers: ClinVar variation 4768993 (VCV004768993.1).